The following is an entry in ClinVar:

ClinVar aggregate classification (germline): Uncertain significance (1 of 4 stars; one submission).

Allele frequency attached by ClinVar (database versions not stated): ExAC 0.00001; ESP Exome Variant Server 0.00008.
gnomAD v4.1: 4 of 1,613,844 alleles (0.00025%); highest among the groups gnomAD compares: African/African-American, 0.0053%; no homozygotes.

Submission:

Labcorp Genetics (formerly Invitae), Labcorp
Classification: Uncertain significance. Last evaluated: 2022-11-30. Review status: criteria provided, single submitter. Criteria: Invitae Variant Classification Sherloc (09022015). Collection method: clinical testing. Allele origin: germline.
Comment: Algorithms developed to predict the effect of missense changes on protein structure and function (SIFT, PolyPhen-2, Align-GVGD) all suggest that this variant is likely to be disruptive. In summary, the available evidence is currently insufficient to determine the role of this variant in disease. Therefore, it has been classified as a Variant of Uncertain Significance. This variant has not been reported in the literature in individuals affected with ACAN-related conditions. This variant is present in population databases (rs374842225, gnomAD 0.01%). This sequence change replaces glycine, which is neutral and non-polar, with alanine, which is neutral and non-polar, at codon 2386 of the ACAN protein (p.Gly2386Ala).

NM_001369268.1(ACAN):c.7271G>C (p.Gly2424Ala)

Gene: ACAN (aggrecan; plus strand). Cytogenetic location: 15q26.1.
Variant type: single nucleotide variant.
Coding change: c.7271G>C on transcript NM_001369268.1 (MANE Select); coding-DNA position 7271, G replaced by C.
Protein change: p.Gly2424Ala; replaces glycine 2424 with alanine.
Molecular consequence: missense variant.
Genome position (GRCh38, 1-based): chr15:88,872,054, G>C. VCF-style: chr15-88872054-G-C. GRCh37 (hg19) VCF-style: chr15-89415285-G-C.
Other names: c.7043G>C, p.Gly2348Ala (NM_001135.4, NM_001411096.1); c.7157G>C, p.Gly2386Ala (NM_001411097.1, NM_013227.4); short protein forms G2424A, G2386A, G2348A.
Identifiers: ClinVar variation 2996678 (VCV002996678.3), dbSNP rs374842225, ClinGen allele CA7720625.